The following is an entry in ClinVar:

NM_004415.4(DSP):c.1501G>A (p.Val501Ile)

Gene: DSP (desmoplakin; plus strand). Cytogenetic location: 6p24.3.
Variant type: single nucleotide variant.
Coding change: c.1501G>A on transcript NM_004415.4 (MANE Select); coding-DNA position 1501, G replaced by A.
Protein change: p.Val501Ile; replaces valine 501 with isoleucine.
Molecular consequence: missense variant.
Genome position (GRCh38, 1-based): chr6:7,569,267, G>A. VCF-style: chr6-7569267-G-A. GRCh37 (hg19) VCF-style: chr6-7569500-G-A.
Other names: c.1501G>A, p.Val501Ile (NM_001008844.3, NM_001319034.2); short protein forms V501I.
Identifiers: ClinVar variation 178025 (VCV000178025.14), dbSNP rs368778031, ClinGen allele CA004988.

ClinVar aggregate classification (germline): Conflicting classifications of pathogenicity. Review status: criteria provided, conflicting classifications (1 of 4 stars). 5 submissions from 5 submitters: Uncertain significance (4); Likely benign (1). Last evaluated 2025-11-24.

Conditions:
Arrhythmogenic cardiomyopathy with wooly hair and keratoderma. Also called: Dilated cardiomyopathy with woolly hair and keratoderma; Arrhythmogenic cardiomyopathy with woolly hair and keratoderma; PALMOPLANTAR KERATODERMA WITH LEFT VENTRICULAR CARDIOMYOPATHY AND WOOLLY HAIR; Carvajal syndrome. Identifiers: Orphanet 65282, MedGen C1854063, MONDO:0011581, OMIM 605676.
Arrhythmogenic right ventricular dysplasia 8 (ARVD8). Also called: Arrhythmogenic Right Ventricular Dysplasia/Cardiomyopathy 8; ARRHYTHMOGENIC RIGHT VENTRICULAR CARDIOMYOPATHY 8; ARRHYTHMOGENIC RIGHT VENTRICULAR DYSPLASIA, FAMILIAL, 8. Identifiers: MedGen C1843896, MONDO:0011831, OMIM 607450.
Cardiovascular phenotype. Identifiers: MedGen CN230736.
Cardiomyopathy (CMYO). Also called: Cardiomyopathies. Identifiers: Orphanet 167848, MedGen C0878544, MONDO:0004994, HP:0001638. Inheritance: Various modes of inheritance.

Allele frequency attached by ClinVar (database versions not stated): TOPMed 0.00001; gnomAD exomes 0.00002 and 0.00003; ExAC 0.00006; ESP Exome Variant Server 0.00008.

Submissions (5):

Ambry Genetics
Classification: Uncertain significance for Cardiovascular phenotype. Last evaluated: 2025-11-24. Review status: criteria provided, single submitter. Criteria: Ambry Variant Classification Scheme 2023. Collection method: clinical testing. Allele origin: germline.
Comment: The p.V501I variant (also known as c.1501G>A), located in coding exon 12 of the DSP gene, results from a G to A substitution at nucleotide position 1501. The valine at codon 501 is replaced by isoleucine, an amino acid with highly similar properties. This amino acid position is not well conserved in available vertebrate species. In addition, this alteration is predicted to be tolerated by in silico analysis. Since supporting evidence is limited at this time, the clinical significance of this alteration remains unclear.

Labcorp Genetics (formerly Invitae), Labcorp
Classification: Likely benign for Arrhythmogenic cardiomyopathy with wooly hair and keratoderma; Arrhythmogenic right ventricular dysplasia 8. Last evaluated: 2025-04-24. Review status: criteria provided, single submitter. Criteria: Invitae Variant Classification Sherloc (09022015). Collection method: clinical testing. Allele origin: germline.

Color Diagnostics, LLC DBA Color Health
Classification: Uncertain significance for Cardiomyopathy. Last evaluated: 2023-09-01. Review status: criteria provided, single submitter. Criteria: ACMG Guidelines, 2015. Collection method: clinical testing. Allele origin: germline.
Comment: This missense variant replaces valine with isoleucine at codon 501 of the DSP protein. Computational prediction suggests that this variant may not impact protein structure and function (internally defined REVEL score threshold <= 0.5, PMID: 27666373). To our knowledge, functional studies have not been reported for this variant. This variant has been reported in an individual suspected of having hypertrophic cardiomyopathy (PMID: 30847666). This variant has also been identified in 8/251454 chromosomes in the general population by the Genome Aggregation Database (gnomAD). The available evidence is insufficient to determine the role of this variant in disease conclusively. Therefore, this variant is classified as a Variant of Uncertain Significance.

Blueprint Genetics
Classification: Uncertain significance. Last evaluated: 2021-02-17. Review status: criteria provided, single submitter. Criteria: ACMG Guidelines, 2015. Collection method: clinical testing. Allele origin: germline.

Laboratory for Molecular Medicine, Mass General Brigham Personalized Medicine
Classification: Uncertain significance. Last evaluated: 2014-08-08. Review status: criteria provided, single submitter. Criteria: LMM Criteria. Collection method: clinical testing. Allele origin: germline. Observed: 1 variant allele.
Comment: The Val501Ile variant in DSP has not been previously reported in individuals wit h cardiomyopathy, but has been identified in 1/8600 of European American chromos omes by the NHLBI Exome Sequencing Project. Computational prediction tools and conservation analysis do not provide strong s upport for or against an impact to the protein. In summary, the clinical signifi cance of the Val501Ile variant is uncertain.

Literature cited by the submitters: PubMed 30847666 (cited by Color Diagnostics, LLC DBA Color Health).